The following is an entry in ClinVar:

NM_031206.7(LAS1L):c.1285G>A (p.Ala429Thr)

Gene: LAS1L (LAS1 like ribosome biogenesis factor; minus strand). Cytogenetic location: Xq12.
Variant type: single nucleotide variant.
Coding change: c.1285G>A on transcript NM_031206.7 (MANE Select); coding-DNA position 1285, G replaced by A.
Protein change: p.Ala429Thr; replaces alanine 429 with threonine.
Molecular consequence: missense variant. On other transcripts: non-coding transcript variant (1).
Genome position (GRCh38, 1-based): chrX:65,524,071, C>T on the plus strand (G>A on the coding strand, the complement: LAS1L is on the minus strand). VCF-style: chrX-65524071-C-T. GRCh37 (hg19) VCF-style: chrX-64743951-C-T.
Other names: c.1234G>A, p.Ala412Thr (NM_001170649.2, NM_001375331.1, NM_001375333.1 and 2 more transcripts); c.1108G>A, p.Ala370Thr (NM_001170650.2); c.1285G>A, p.Ala429Thr (NM_001375328.1, NM_001375329.1, NM_001375330.1 and 3 more transcripts); c.328G>A, p.Ala110Thr (NM_001375332.1); short protein forms A110T, A370T, A412T, A429T.
Identifiers: ClinVar variation 1805162 (VCV001805162.1), dbSNP rs2522572962, ClinGen allele CA413316909.
Genomic context (GRCh38, chrX:65,524,071, plus strand): 5'-GCCTGGGCTGCCTTAGGCCCTAGGGCTAGGGCTAGTCTCCCTCACCAGTCTTGGTGTTGG[C>T]CACGATCAGTTCAACGGTCCATCTGAGGATGTAGGTAGGCCGGATCCCGCTGATCCCCAA-3'
Protein context (NP_112483.1, residues 419-439): ILRWTVELIV[Ala429Thr]NTKTGRNARR

ClinVar aggregate classification (germline): Uncertain significance (1 of 4 stars; one submission).

Conditions:
Wilson-Turner syndrome (WTS). Also called: INTELLECTUAL DEVELOPMENTAL DISORDER, X-LINKED, SYNDROMIC, WILSON-TURNER TYPE; MENTAL RETARDATION, X-LINKED, SYNDROMIC 6. Identifiers: Orphanet 3459, MedGen C1839736, MONDO:0010665, OMIM 309585.

Submission:

Victorian Clinical Genetics Services, Murdoch Childrens Research Institute
Classification: Uncertain significance for Wilson-Turner syndrome. Last evaluated: 2022-02-02. Review status: criteria provided, single submitter. Criteria: ACMG Guidelines, 2015. Collection method: clinical testing. Allele origin: germline. Inheritance: X-linked recessive inheritance. Affected: yes.
Comment: Based on the classification scheme VCGS_Germline_v1.3.4, this variant is classified as VUS-3C. Following criteria are met: 0105 - The mechanism of disease for this gene is not clearly established. (I) 0109 - This gene is associated with X-linked recessive disease. (I) 0200 - Variant is predicted to result in a missense amino acid change from alanine to threonine. (I) 0251 - This variant is heterozygous. (I) 0301 - Variant is absent from gnomAD (both v2 and v3). (SP) 0503 - Missense variant consistently predicted to be tolerated by multiple in silico tools or not conserved in placental mammals with a minor amino acid change. (SB) 0604 - Variant is not located in an established domain, motif, hotspot or informative constraint region. (I) 0705 - No comparable missense variants have previous evidence for pathogenicity. (I) 0807 - This variant has no previous evidence of pathogenicity. (I) 0905 - No published segregation evidence has been identified for this variant. (I) 1007 - No published functional evidence has been identified for this variant. (I) Legend: (SP) - Supporting pathogenic, (I) - Information, (SB) - Supporting benign